The following is an entry in ClinVar:

ClinVar aggregate classification (germline): Uncertain significance (1 of 4 stars; one submission).

Submission:

Labcorp Genetics (formerly Invitae), Labcorp
Classification: Uncertain significance. Last evaluated: 2024-03-11. Review status: criteria provided, single submitter. Criteria: Invitae Variant Classification Sherloc (09022015). Collection method: clinical testing. Allele origin: germline.
Comment: This variant, c.373_375dup, results in the insertion of 1 amino acid(s) of the RBM10 protein (p.Glu125dup), but otherwise preserves the integrity of the reading frame. The frequency data for this variant in the population databases is considered unreliable, as metrics indicate poor data quality at this position in the gnomAD database. This variant has not been reported in the literature in individuals affected with RBM10-related conditions. Experimental studies and prediction algorithms are not available or were not evaluated, and the functional significance of this variant is currently unknown. In summary, the available evidence is currently insufficient to determine the role of this variant in disease. Therefore, it has been classified as a Variant of Uncertain Significance.

NM_005676.5(RBM10):c.361GAG[6] (p.Glu125_Lys126insGlu)

Gene: RBM10 (RNA binding motif protein 10; plus strand). Cytogenetic location: Xp11.3.
Variant type: Microsatellite.
Coding change: c.361GAG[6] on transcript NM_005676.5 (MANE Select); six copies in a row of the 3-base unit GAG starting at c.361; the reference has five copies in a row; one copy, 3 bases duplicated.
Protein change: p.Glu125_Lys126insGlu.
Molecular consequence: inframe insertion. On other transcripts: intron variant (2).
Genome position (GRCh38, 1-based): chrX:47,171,199-47,171,201, GAG duplicated; duplicating any 3 consecutive bases within chrX:47,171,187-47,171,201 gives the same sequence; the position shown is the placement nearest the transcript's 3' end. VCF-style (leftmost placement, unchanged base first): chrX-47171186-T-TGAG. GRCh37 (hg19) VCF-style: chrX-47030585-T-TGAG.
Other names: c.361GAG[6], p.Glu125_Lys126insGlu (NM_001204467.2); c.556GAG[6], p.Glu190_Lys191insGlu (NM_001204468.2); c.201+1689GAG[6] (NM_001204466.2, NM_152856.3).
Identifiers: ClinVar variation 2713708 (VCV002713708.3), dbSNP rs782535776, ClinGen allele CA10395102.
Genomic context (GRCh38, chrX:47,171,186, plus strand): 5'-CGACTATCGGGACCAGGACTATCGGACCGAGCAAGGGGAGGAGGAGGAGGAGGAGGAGGA[T>TGAG]GAGGAGGAGGAGGAGAAGGCCAGTAACATCGTCATGCTGAGGATGCTGCCACAGGCAGCC-3'